The following is an entry in ClinVar:

ClinVar aggregate classification (germline): Uncertain significance (1 of 4 stars; one submission).

Allele frequency attached by ClinVar (database versions not stated): gnomAD exomes below 0.00001; ExAC 0.00001.
gnomAD v4.1: 1 of 1,614,040 alleles (0.000062%); no homozygotes.

Submission:

Labcorp Genetics (formerly Invitae), Labcorp
Classification: Uncertain significance. Last evaluated: 2023-08-14. Review status: criteria provided, single submitter. Criteria: Invitae Variant Classification Sherloc (09022015). Collection method: clinical testing. Allele origin: germline.
Comment: This sequence change replaces asparagine, which is neutral and polar, with serine, which is neutral and polar, at codon 828 of the CYFIP2 protein (p.Asn828Ser). This variant is not present in population databases (gnomAD no frequency). This variant has not been reported in the literature in individuals affected with CYFIP2-related conditions. Experimental studies and prediction algorithms are not available or were not evaluated, and the functional significance of this variant is currently unknown. In summary, the available evidence is currently insufficient to determine the role of this variant in disease. Therefore, it has been classified as a Variant of Uncertain Significance.

NM_001037333.3(CYFIP2):c.2483A>G (p.Asn828Ser)

Gene: CYFIP2 (cytoplasmic FMR1 interacting protein 2; plus strand). Cytogenetic location: 5q33.3.
Variant type: single nucleotide variant.
Coding change: c.2483A>G on transcript NM_001037333.3 (MANE Select); coding-DNA position 2483, A replaced by G.
Protein change: p.Asn828Ser; replaces asparagine 828 with serine.
Molecular consequence: missense variant.
Genome position (GRCh38, 1-based): chr5:157,339,154, A>G. VCF-style: chr5-157339154-A-G. GRCh37 (hg19) VCF-style: chr5-156766162-A-G.
Other names: c.2405A>G, p.Asn802Ser (NM_001291721.2); c.2558A>G, p.Asn853Ser (NM_001291722.2); c.2483A>G, p.Asn828Ser (NM_014376.4); short protein forms N802S, N828S, N853S.
Identifiers: ClinVar variation 2796728 (VCV002796728.3), dbSNP rs749930524, ClinGen allele CA3533873.